The following is an entry in ClinVar:

ClinVar aggregate classification (germline): Conflicting classifications of pathogenicity. Review status: criteria provided, conflicting classifications (1 of 4 stars). 2 submissions from 2 submitters: Uncertain significance (1); Likely benign (1). Last evaluated 2024-03-11.

Conditions:
Charcot-Marie-Tooth disease axonal type 2O. Also called: Charcot-Marie-Tooth Neuropathy Type 2O; CHARCOT-MARIE-TOOTH NEUROPATHY, AXONAL, TYPE 2O; CHARCOT-MARIE-TOOTH DISEASE, AXONAL, AUTOSOMAL DOMINANT, TYPE 2O; Charcot-Marie-Tooth disease, axonal, type 20. Identifiers: Orphanet 284232, MedGen C3280220, MONDO:0013644, OMIM 614228.

Allele frequency attached by ClinVar (database versions not stated): gnomAD exomes below 0.00001; TOPMed below 0.00001.
gnomAD v4.1: 1 of 1,614,054 alleles (0.000062%); highest among the groups gnomAD compares: Non-Finnish European, 0.000085%; no homozygotes.

Submissions (2):

Labcorp Genetics (formerly Invitae), Labcorp
Classification: Likely benign for Charcot-Marie-Tooth disease axonal type 2O. Last evaluated: 2024-03-11. Review status: criteria provided, single submitter. Criteria: Invitae Variant Classification Sherloc (09022015). Collection method: clinical testing. Allele origin: germline.

GeneDx
Classification: Uncertain significance. Last evaluated: 2017-05-25. Review status: criteria provided, single submitter. Criteria: GeneDx Variant Classification (06012015). Collection method: clinical testing. Allele origin: germline. Affected: yes.
Comment: The P1350L variant in the DYNC1H1 gene has not been reported previously as a pathogenic variant, nor as a benign variant, to our knowledge. The P1350L variant is not observed in large population cohorts (Lek et al., 2016; 1000 Genomes Consortium et al., 2015; Exome Variant Server). The P1350L variant is a semi-conservative amino acid substitution, which may impact secondary protein structure as these residues differ in some properties. This substitution occurs at a position that is conserved across species, and in silico analysis predicts this variant is probably damaging to the protein structure/function. We interpret P1350L as a variant of uncertain significance.

NM_001376.5(DYNC1H1):c.4049C>T (p.Pro1350Leu)

Gene: DYNC1H1 (dynein cytoplasmic 1 heavy chain 1; plus strand). Cytogenetic location: 14q32.31.
Variant type: single nucleotide variant.
Coding change: c.4049C>T on transcript NM_001376.5 (MANE Select); coding-DNA position 4049, C replaced by T.
Protein change: p.Pro1350Leu; replaces proline 1350 with leucine.
Molecular consequence: missense variant.
Genome position (GRCh38, 1-based): chr14:102,000,374, C>T. VCF-style: chr14-102000374-C-T. GRCh37 (hg19) VCF-style: chr14-102466711-C-T.
Other names: short protein forms P1350L.
Identifiers: ClinVar variation 430424 (VCV000430424.11), dbSNP rs1131691955, ClinGen allele CA391039381.